The following is an entry in ClinVar:

NM_001010874.5(TECRL):c.436G>A (p.Val146Met)

Gene: TECRL (trans-2,3-enoyl-CoA reductase like; minus strand). Cytogenetic location: 4q13.1.
Variant type: single nucleotide variant.
Coding change: c.436G>A on transcript NM_001010874.5 (MANE Select); coding-DNA position 436, G replaced by A.
Protein change: p.Val146Met; replaces valine 146 with methionine.
Molecular consequence: missense variant.
Genome position (GRCh38, 1-based): chr4:64,314,763, C>T on the plus strand (G>A on the coding strand, the complement: TECRL is on the minus strand). VCF-style: chr4-64314763-C-T. GRCh37 (hg19) VCF-style: chr4-65180481-C-T.
Other names: c.436G>A, p.Val146Met (NM_001363796.1); short protein forms V146M.
Identifiers: ClinVar variation 3454622 (VCV003454622.1).

ClinVar aggregate classification (germline): Uncertain significance (1 of 4 stars; one submission).

Conditions:
Cardiovascular phenotype. Identifiers: MedGen CN230736.

Submission:

Ambry Genetics
Classification: Uncertain significance for Cardiovascular phenotype. Last evaluated: 2024-12-09. Review status: criteria provided, single submitter. Criteria: Ambry Variant Classification Scheme 2023. Collection method: clinical testing. Allele origin: germline.
Comment: The p.V146M variant (also known as c.436G>A) is located in coding exon 5 of the TECRL gene. The valine at codon 146 is replaced by methionine, an amino acid with highly similar properties. This change occurs in the first base pair of coding exon 5. This amino acid position is conserved. In addition, the in silico prediction for this alteration is inconclusive. Based on the available evidence, the clinical significance of this variant remains unclear.